The following is an entry in ClinVar:

NM_001429.4(EP300):c.6851T>C (p.Met2284Thr)

Gene: EP300 (EP300 lysine acetyltransferase; plus strand). Cytogenetic location: 22q13.2.
Variant type: single nucleotide variant.
Coding change: c.6851T>C on transcript NM_001429.4 (MANE Select); coding-DNA position 6851, T replaced by C.
Protein change: p.Met2284Thr; replaces methionine 2284 with threonine.
Molecular consequence: missense variant.
Genome position (GRCh38, 1-based): chr22:41,178,562, T>C. VCF-style: chr22-41178562-T-C. GRCh37 (hg19) VCF-style: chr22-41574566-T-C.
Other names: c.6773T>C, p.Met2258Thr (NM_001362843.2); short protein forms M2258T, M2284T.
Identifiers: ClinVar variation 4708004 (VCV004708004.1).

ClinVar aggregate classification (germline): Uncertain significance (1 of 4 stars; one submission).

Conditions:
Rubinstein-Taybi syndrome due to EP300 haploinsufficiency. Also called: EP300-Related Rubinstein-Taybi Syndrome; RUBINSTEIN-TAYBI SYNDROME 2. Identifiers: Orphanet 353284, Orphanet 783, MedGen C3150941, MONDO:0013364, OMIM 613684.

gnomAD v4.1: 2 of 1,613,816 alleles (0.00012%); highest among the groups gnomAD compares: African/African-American, 0.0013%; no homozygotes.

Submission:

Labcorp Genetics (formerly Invitae), Labcorp
Classification: Uncertain significance for Rubinstein-Taybi syndrome due to EP300 haploinsufficiency. Last evaluated: 2025-09-24. Review status: criteria provided, single submitter. Criteria: Invitae Variant Classification Sherloc (09022015). Collection method: clinical testing. Allele origin: germline.
Comment: This sequence change replaces methionine, which is neutral and non-polar, with threonine, which is neutral and polar, at codon 2284 of the EP300 protein (p.Met2284Thr). This variant is present in population databases (no rsID available, gnomAD 0.0009%). This variant has not been reported in the literature in individuals affected with EP300-related conditions. Invitae Evidence Modeling of protein sequence and biophysical properties (such as structural, functional, and spatial information, amino acid conservation, physicochemical variation, residue mobility, and thermodynamic stability) indicates that this missense variant is not expected to disrupt EP300 protein function with a negative predictive value of 80%. In summary, the available evidence is currently insufficient to determine the role of this variant in disease. Therefore, it has been classified as a Variant of Uncertain Significance.